The following is an entry in ClinVar:

ClinVar aggregate classification (germline): Uncertain significance (1 of 4 stars; one submission).

Conditions:
Familial thoracic aortic aneurysm and aortic dissection (TAAD). Also called: Thoracic aortic aneurysms and dissections. Identifiers: Orphanet 91387, MedGen C4707243, MONDO:0019625.

Submission:

Ambry Genetics
Classification: Uncertain significance for Familial thoracic aortic aneurysm and aortic dissection. Last evaluated: 2024-12-07. Review status: criteria provided, single submitter. Criteria: Ambry Variant Classification Scheme 2023. Collection method: clinical testing. Allele origin: germline.
Comment: The p.Y1464C variant (also known as c.4391A>G), located in coding exon 23 of the MYLK gene, results from an A to G substitution at nucleotide position 4391. The tyrosine at codon 1464 is replaced by cysteine, an amino acid with highly dissimilar properties. This amino acid position is conserved. In addition, this alteration is predicted to be deleterious by in silico analysis. Based on the available evidence, the clinical significance of this variant remains unclear.

NM_053025.4(MYLK):c.4391A>G (p.Tyr1464Cys)

Gene: MYLK (myosin light chain kinase; minus strand). Cytogenetic location: 3q21.1.
Variant type: single nucleotide variant.
Coding change: c.4391A>G on transcript NM_053025.4 (MANE Select); coding-DNA position 4391, A replaced by G.
Protein change: p.Tyr1464Cys; replaces tyrosine 1464 with cysteine.
Molecular consequence: missense variant.
Genome position (GRCh38, 1-based): chr3:123,648,995, T>C on the plus strand (A>G on the coding strand, the complement: MYLK is on the minus strand). VCF-style: chr3-123648995-T-C. GRCh37 (hg19) VCF-style: chr3-123367842-T-C.
Other names: c.3863A>G, p.Tyr1288Cys (NM_001321309.2); c.4184A>G, p.Tyr1395Cys (NM_053026.4, NM_053028.4); c.4391A>G, p.Tyr1464Cys (NM_053027.4); short protein forms Y1288C, Y1395C, Y1464C.
Identifiers: ClinVar variation 3401134 (VCV003401134.1).